The following is an entry in ClinVar:

ClinVar aggregate classification (germline): Uncertain significance (1 of 4 stars; one submission).

Conditions:
F7-related disorder. Also called: F7-related condition.

gnomAD v4.1: 1 of 1,602,642 alleles (0.000062%); highest among the groups gnomAD compares: Non-Finnish European, 0.000085%; no homozygotes.

Submission:

PreventionGenetics, part of Exact Sciences
Classification: Uncertain significance for F7-related condition. Last evaluated: 2025-09-19. Review status: criteria provided, single submitter. Criteria: ACMG Guidelines, 2015. Collection method: clinical testing. Allele origin: germline.
Comment: The F7 c.795C>G variant is predicted to result in the amino acid substitution p.Ile265Met. To our knowledge, this variant has not been reported in the literature or in a large population database (gnomAD), indicating this variant is rare. An alternate missense change at the same amino acid position (p.Ile265Thr) has been reported in an individual affected with mild hemophilia (Ravanbod et al. 2023. PubMed ID: 36760778). At this time, the clinical significance of this variant is uncertain due to the absence of conclusive functional and genetic evidence.

NM_019616.4(F7):c.729C>G (p.Ile243Met)

Gene: F7 (coagulation factor VII; plus strand). Cytogenetic location: 13q34.
Variant type: single nucleotide variant.
Coding change: c.729C>G on transcript NM_019616.4 (MANE Select); coding-DNA position 729, C replaced by G.
Protein change: p.Ile243Met; replaces isoleucine 243 with methionine.
Molecular consequence: missense variant. On other transcripts: non-coding transcript variant (1).
Genome position (GRCh38, 1-based): chr13:113,117,586, C>G. VCF-style: chr13-113117586-C-G. GRCh37 (hg19) VCF-style: chr13-113771900-C-G.
Other names: c.795C>G, p.Ile265Met (NM_000131.5); c.543C>G, p.Ile181Met (NM_001267554.2); short protein forms I181M, I243M, I265M.
Identifiers: ClinVar variation 4996478 (VCV004996478.1).
Genomic context (GRCh38, chr13:113,117,586, plus strand): 5'-CATCTGGGTGGTCTCCGCGGCCCACTGTTTCGACAAAATCAAGAACTGGAGGAACCTGAT[C>G]GCGGTGCTGGGTGGGTACCACTCTCCCCTGTCCGACCGCGGTGCTGGGTGGGTGCCACTC-3'
Protein context (NP_062562.1, residues 233-253): FDKIKNWRNL[Ile243Met]AVLGEHDLSE